The following is an entry in ClinVar:

NM_015047.3(EMC1):c.2545G>A (p.Ala849Thr)

Genes: EMC1 (ER membrane protein complex subunit 1; minus strand), EMC1-AS1 (EMC1 antisense RNA 1; plus strand). Cytogenetic location: 1p36.13.
Variant type: single nucleotide variant.
Coding change: c.2545G>A on transcript NM_015047.3 (MANE Select); coding-DNA position 2545, G replaced by A.
Protein change: p.Ala849Thr; replaces alanine 849 with threonine.
Molecular consequence: missense variant.
Genome position (GRCh38, 1-based): chr1:19,222,666, C>T on the plus strand (G>A on the coding strand, the complement: EMC1 is on the minus strand). VCF-style: chr1-19222666-C-T. GRCh37 (hg19) VCF-style: chr1-19549160-C-T.
Other names: c.2542G>A, p.Ala848Thr (NM_001271427.2, NM_001271428.2); c.2479G>A, p.Ala827Thr (NM_001271429.2); c.2554G>A, p.Ala852Thr (NM_001375820.1); c.2551G>A, p.Ala851Thr (NM_001375821.1); short protein forms A851T, A849T, A852T, A848T, A827T.
Identifiers: ClinVar variation 2043866 (VCV002043866.4), dbSNP rs781453209, ClinGen allele CA652246.

ClinVar aggregate classification (germline): Uncertain significance (1 of 4 stars; one submission).

Allele frequency attached by ClinVar (database versions not stated): ExAC 0.00001; gnomAD 0.00001; TOPMed 0.00001; gnomAD exomes 0.00002.
gnomAD v4.1: 30 of 1,613,970 alleles (0.0019%); highest among the groups gnomAD compares: Non-Finnish European, 0.0023%; no homozygotes.

Submission:

Labcorp Genetics (formerly Invitae), Labcorp
Classification: Uncertain significance. Last evaluated: 2024-11-26. Review status: criteria provided, single submitter. Criteria: Invitae Variant Classification Sherloc (09022015). Collection method: clinical testing. Allele origin: germline.
Comment: This sequence change replaces alanine, which is neutral and non-polar, with threonine, which is neutral and polar, at codon 849 of the EMC1 protein (p.Ala849Thr). This variant is present in population databases (rs781453209, gnomAD 0.002%). This variant has not been reported in the literature in individuals affected with EMC1-related conditions. ClinVar contains an entry for this variant (Variation ID: 2043866). Invitae Evidence Modeling of protein sequence and biophysical properties (such as structural, functional, and spatial information, amino acid conservation, physicochemical variation, residue mobility, and thermodynamic stability) indicates that this missense variant is not expected to disrupt EMC1 protein function with a negative predictive value of 80%. In summary, the available evidence is currently insufficient to determine the role of this variant in disease. Therefore, it has been classified as a Variant of Uncertain Significance.